The following is an entry in ClinVar:

NM_001267550.2(TTN):c.105296C>G (p.Ser35099Cys)

Genes: TTN-AS1 (TTN antisense RNA 1; plus strand), TTN (titin; minus strand). Cytogenetic location: 2q31.2.
Variant type: single nucleotide variant.
Coding change: c.105296C>G on transcript NM_001267550.2 (MANE Select); coding-DNA position 105296, C replaced by G.
Protein change: p.Ser35099Cys; replaces serine 35099 with cysteine.
Molecular consequence: missense variant.
Genome position (GRCh38, 1-based): chr2:178,531,319, G>C on the plus strand (C>G on the coding strand, the complement: TTN is on the minus strand). VCF-style: chr2-178531319-G-C. GRCh37 (hg19) VCF-style: chr2-179396046-G-C.
Other names: c.100373C>G, p.Ser33458Cys (NM_001256850.1); c.78101C>G, p.Ser26034Cys (NM_003319.4); c.97592C>G, p.Ser32531Cys (NM_133378.4); c.78476C>G, p.Ser26159Cys (NM_133432.3); c.78677C>G, p.Ser26226Cys (NM_133437.4); short protein forms S26034C, S26159C, S32531C, S26226C, S35099C, S33458C.
Identifiers: ClinVar variation 4786529 (VCV004786529.1).

ClinVar aggregate classification (germline): Uncertain significance (1 of 4 stars; one submission).

Conditions:
Autosomal recessive limb-girdle muscular dystrophy type 2J (LGMDR10). Also called: Limb-girdle muscular dystrophy, type 2J; MUSCULAR DYSTROPHY, LIMB-GIRDLE, AUTOSOMAL RECESSIVE 10. Identifiers: Orphanet 140922, MedGen C1837342, MONDO:0012127, OMIM 608807.
Dilated cardiomyopathy 1G (CMD1G). Identifiers: Orphanet 154, MedGen C1858763, MONDO:0011400, OMIM 604145.

Submission:

Labcorp Genetics (formerly Invitae), Labcorp
Classification: Uncertain significance for Dilated cardiomyopathy 1G; Autosomal recessive limb-girdle muscular dystrophy type 2J. Last evaluated: 2025-10-26. Review status: criteria provided, single submitter. Criteria: Invitae Variant Classification Sherloc (09022015). Collection method: clinical testing. Allele origin: germline.
Comment: This sequence change replaces serine, which is neutral and polar, with cysteine, which is neutral and slightly polar, at codon 35099 of the TTN protein (p.Ser35099Cys). This variant is not present in population databases (gnomAD no frequency). This variant has not been reported in the literature in individuals affected with TTN-related conditions. Experimental studies and prediction algorithms are not available or were not evaluated, and the functional significance of this variant is currently unknown. This variant is located in the M band of TTN (PMID: 25589632). Non-truncating variants in this region may be relevant for neuromuscular disorders, but have not been definitively shown to cause cardiomyopathy (PMID: 23975875). In summary, the available evidence is currently insufficient to determine the role of this variant in disease. Therefore, it has been classified as a Variant of Uncertain Significance.

Literature cited by the submitters: PubMed 25589632; PubMed 23975875.